The following is an entry in ClinVar:

ClinVar aggregate classification (germline): Uncertain significance (1 of 4 stars; one submission).

Allele frequency attached by ClinVar (database versions not stated): gnomAD exomes below 0.00001.
gnomAD v4.1: 4 of 1,614,042 alleles (0.00025%); highest among the groups gnomAD compares: Middle Eastern, 0.017%; no homozygotes.

Submission:

Labcorp Genetics (formerly Invitae), Labcorp
Classification: Uncertain significance. Last evaluated: 2024-10-29. Review status: criteria provided, single submitter. Criteria: Invitae Variant Classification Sherloc (09022015). Collection method: clinical testing. Allele origin: germline.
Comment: This sequence change replaces proline, which is neutral and non-polar, with leucine, which is neutral and non-polar, at codon 1246 of the DLC1 protein (p.Pro1246Leu). This variant is not present in population databases (gnomAD no frequency). This variant has not been reported in the literature in individuals affected with DLC1-related conditions. ClinVar contains an entry for this variant (Variation ID: 2082393). An algorithm developed to predict the effect of missense changes on protein structure and function (PolyPhen-2) suggests that this variant is likely to be disruptive. In summary, the available evidence is currently insufficient to determine the role of this variant in disease. Therefore, it has been classified as a Variant of Uncertain Significance.

NM_182643.3(DLC1):c.3737C>T (p.Pro1246Leu)

Gene: DLC1 (DLC1 Rho GTPase activating protein; minus strand). Cytogenetic location: 8p22.
Variant type: single nucleotide variant.
Coding change: c.3737C>T on transcript NM_182643.3 (MANE Select); coding-DNA position 3737, C replaced by T.
Protein change: p.Pro1246Leu; replaces proline 1246 with leucine.
Molecular consequence: missense variant.
Genome position (GRCh38, 1-based): chr8:13,092,615, G>A on the plus strand (C>T on the coding strand, the complement: DLC1 is on the minus strand). VCF-style: chr8-13092615-G-A. GRCh37 (hg19) VCF-style: chr8-12950124-G-A.
Other names: c.2561C>T, p.Pro854Leu (NM_001413140.1); c.2426C>T, p.Pro809Leu (NM_006094.5, NM_001413135.1, NM_001413136.1 and 1 more transcripts); c.2204C>T, p.Pro735Leu (NM_001164271.2, NM_001348082.2, NM_001348083.1 and 6 more transcripts); c.2528C>T, p.Pro843Leu (NM_001316668.2, NM_001413129.1); c.3737C>T, p.Pro1246Leu (NM_001348081.2, NM_001413124.1); c.2519C>T, p.Pro840Leu (NM_001413130.1); c.2177C>T, p.Pro726Leu (NM_001413131.1, NM_001413137.1); c.2663C>T, p.Pro888Leu (NM_001413132.1); short protein forms P726L, P888L, P1246L, P809L, P840L, P843L, P735L, P854L.
Identifiers: ClinVar variation 2082393 (VCV002082393.4), dbSNP rs2536990195, ClinGen allele CA370342017.